The following is an entry in ClinVar:

NM_170606.3(KMT2C):c.12806T>G (p.Met4269Arg)

Gene: KMT2C (lysine methyltransferase 2C; minus strand). Cytogenetic location: 7q36.1.
Variant type: single nucleotide variant.
Coding change: c.12806T>G on transcript NM_170606.3 (MANE Select); coding-DNA position 12806, T replaced by G.
Protein change: p.Met4269Arg; replaces methionine 4269 with arginine.
Molecular consequence: missense variant.
Genome position (GRCh38, 1-based): chr7:152,149,121, A>C on the plus strand (T>G on the coding strand, the complement: KMT2C is on the minus strand). VCF-style: chr7-152149121-A-C. GRCh37 (hg19) VCF-style: chr7-151846206-A-C.
Other names: short protein forms M4269R.
Identifiers: ClinVar variation 1995183 (VCV001995183.4), dbSNP rs895237296, ClinGen allele CA370094040.

ClinVar aggregate classification (germline): Uncertain significance (1 of 4 stars; one submission).

Submission:

Labcorp Genetics (formerly Invitae), Labcorp
Classification: Uncertain significance. Last evaluated: 2025-08-21. Review status: criteria provided, single submitter. Criteria: Invitae Variant Classification Sherloc (09022015). Collection method: clinical testing. Allele origin: germline.
Comment: This sequence change replaces methionine, which is neutral and non-polar, with arginine, which is basic and polar, at codon 4269 of the KMT2C protein (p.Met4269Arg). This variant is not present in population databases (gnomAD no frequency). This variant has not been reported in the literature in individuals affected with KMT2C-related conditions. ClinVar contains an entry for this variant (Variation ID: 1995183). An algorithm developed to predict the effect of missense changes on protein structure and function (PolyPhen-2) suggests that this variant is likely to be tolerated. In summary, the available evidence is currently insufficient to determine the role of this variant in disease. Therefore, it has been classified as a Variant of Uncertain Significance.